The following is an entry in ClinVar:

NM_177438.3(DICER1):c.2581G>T (p.Glu861Ter)

Gene: DICER1 (dicer 1, ribonuclease III; minus strand). Cytogenetic location: 14q32.13.
Variant type: single nucleotide variant.
Coding change: c.2581G>T on transcript NM_177438.3 (MANE Select); coding-DNA position 2581, G replaced by T.
Protein change: p.Glu861Ter; replaces glutamic acid 861 with a stop codon.
Molecular consequence: nonsense. On other transcripts: non-coding transcript variant (6).
Genome position (GRCh38, 1-based): chr14:95,107,949, C>A on the plus strand (G>T on the coding strand, the complement: DICER1 is on the minus strand). VCF-style: chr14-95107949-C-A. GRCh37 (hg19) VCF-style: chr14-95574286-C-A.
Other names: c.2581G>T, p.Glu861Ter (NM_001195573.1, NM_001271282.3, NM_001291628.2 and 12 more transcripts); c.2299G>T, p.Glu767Ter (NM_001395686.1); c.2176G>T, p.Glu726Ter (NM_001395687.1, NM_001395688.1, NM_001395689.1 and 2 more transcripts); c.2014G>T, p.Glu672Ter (NM_001395691.1); c.898G>T, p.Glu300Ter (NM_001395697.1); short protein forms E300*, E672*, E726*, E767*, E861*.
Identifiers: ClinVar variation 4869748 (VCV004869748.1).

ClinVar aggregate classification (germline): Pathogenic (1 of 4 stars; one submission).

Conditions:
Hereditary cancer-predisposing syndrome. Also called: Neoplastic Syndromes, Hereditary; Tumor predisposition; Hereditary Cancer Syndrome; Hereditary neoplastic syndrome. Identifiers: Orphanet 140162, MedGen C0027672, MeSH D009386, MONDO:0015356.

Submission:

Ambry Genetics
Classification: Pathogenic for Hereditary cancer-predisposing syndrome. Last evaluated: 2026-03-23. Review status: criteria provided, single submitter. Criteria: Ambry Variant Classification Scheme 2023. Collection method: clinical testing. Allele origin: germline.
Comment: The p.E861* pathogenic mutation (also known as c.2581G>T), located in coding exon 15 of the DICER1 gene, results from a G to T substitution at nucleotide position 2581. This changes the amino acid from a glutamic acid to a stop codon within coding exon 15. This variant is considered to be rare based on population cohorts in the Genome Aggregation Database (gnomAD). This variant is expected to result in loss of function by premature protein truncation or nonsense-mediated mRNA decay. As such, this variant is interpreted as a disease-causing mutation.